The following is an entry in ClinVar:

NM_001032386.2(SUOX):c.248A>C (p.His83Pro)

Gene: SUOX (sulfite oxidase; plus strand). Cytogenetic location: 12q13.2.
Variant type: single nucleotide variant.
Coding change: c.248A>C on transcript NM_001032386.2 (MANE Select); coding-DNA position 248, A replaced by C.
Protein change: p.His83Pro; replaces histidine 83 with proline.
Molecular consequence: missense variant.
Genome position (GRCh38, 1-based): chr12:56,003,637, A>C. VCF-style: chr12-56003637-A-C. GRCh37 (hg19) VCF-style: chr12-56397421-A-C.
Other names: c.248A>C, p.His83Pro (NM_000456.3, NM_001032387.2); short protein forms H83P.
Identifiers: ClinVar variation 2168086 (VCV002168086.2), dbSNP rs966343025, ClinGen allele CA237605108.

ClinVar aggregate classification (germline): Uncertain significance (1 of 4 stars; one submission).

Conditions:
Sulfite oxidase deficiency. Also called: Isolated sulfite oxidase deficiency. Identifiers: Orphanet 833, Orphanet 99731, MedGen C0268624, MONDO:0010089, OMIM 272300, HP:0003643.

Allele frequency attached by ClinVar (database versions not stated): gnomAD 0.00001; gnomAD exomes 0.00002; TOPMed 0.00002.
gnomAD v4.1: 27 of 1,614,010 alleles (0.0017%); highest among the groups gnomAD compares: Non-Finnish European, 0.0022%; no homozygotes.

Submission:

Labcorp Genetics (formerly Invitae), Labcorp
Classification: Uncertain significance for Sulfite oxidase deficiency. Last evaluated: 2024-12-02. Review status: criteria provided, single submitter. Criteria: Invitae Variant Classification Sherloc (09022015). Collection method: clinical testing. Allele origin: germline.
Comment: This sequence change replaces histidine, which is basic and polar, with proline, which is neutral and non-polar, at codon 83 of the SUOX protein (p.His83Pro). This variant is not present in population databases (gnomAD no frequency). This variant has not been reported in the literature in individuals affected with SUOX-related conditions. ClinVar contains an entry for this variant (Variation ID: 2168086). Invitae Evidence Modeling of protein sequence and biophysical properties (such as structural, functional, and spatial information, amino acid conservation, physicochemical variation, residue mobility, and thermodynamic stability) indicates that this missense variant is not expected to disrupt SUOX protein function with a negative predictive value of 95%. In summary, the available evidence is currently insufficient to determine the role of this variant in disease. Therefore, it has been classified as a Variant of Uncertain Significance.